The following is an entry in ClinVar:

ClinVar aggregate classification (germline): Benign/Likely benign. Review status: criteria provided, multiple submitters, no conflicts (2 of 4 stars). 3 submissions from 3 submitters: Benign (1); Likely benign (2). Last evaluated 2026-07-10.

Conditions:
Hereditary cancer-predisposing syndrome. Also called: Neoplastic Syndromes, Hereditary; Tumor predisposition; Hereditary Cancer Syndrome; Hereditary neoplastic syndrome. Identifiers: Orphanet 140162, MedGen C0027672, MeSH D009386, MONDO:0015356.
Rhabdoid tumor predisposition syndrome 2 (RTPS2). Identifiers: Orphanet 231108, Orphanet 69077, MedGen C2750074, MONDO:0013224, OMIM 613325.

Submissions (3):

Myriad Genetics, Inc.
Classification: Benign for Rhabdoid tumor predisposition syndrome 2. Last evaluated: 2026-07-10. Review status: criteria provided, single submitter. Criteria: Myriad Autosomal Dominant, Autosomal Recessive and X-Linked Classification Criteria (2023). Collection method: clinical testing. Allele origin: unknown.
Comment: This variant is considered benign. This variant is a silent/synonymous amino acid change and it is not expected to impact splicing.

Ambry Genetics
Classification: Likely benign for Hereditary cancer-predisposing syndrome. Last evaluated: 2024-04-20. Review status: criteria provided, single submitter. Criteria: Ambry Variant Classification Scheme 2023. Collection method: clinical testing. Allele origin: germline.

Labcorp Genetics (formerly Invitae), Labcorp
Classification: Likely benign for Rhabdoid tumor predisposition syndrome 2. Last evaluated: 2022-02-18. Review status: criteria provided, single submitter. Criteria: Invitae Variant Classification Sherloc (09022015). Collection method: clinical testing. Allele origin: germline.

NM_003072.5(SMARCA4):c.1620G>A (p.Lys540=)

Gene: SMARCA4 (SWI/SNF related BAF chromatin remodeling complex subunit ATPase 4; plus strand). Cytogenetic location: 19p13.2.
Variant type: single nucleotide variant.
Coding change: c.1620G>A on transcript NM_003072.5 (MANE Select); coding-DNA position 1620, G replaced by A.
Protein change: p.Lys540=; no amino-acid change (lysine 540 retained).
Molecular consequence: synonymous variant. On other transcripts: non-coding transcript variant (1).
Genome position (GRCh38, 1-based): chr19:10,996,239, G>A. VCF-style: chr19-10996239-G-A. GRCh37 (hg19) VCF-style: chr19-11106915-G-A.
Other names: c.1620G>A, p.Lys540= (NM_001128844.3, NM_001128845.2, NM_001128846.2 and 5 more transcripts); c.1620G>A (NM_001128849.1).
Identifiers: ClinVar variation 1597040 (VCV001597040.11), dbSNP rs2145969558, ClinGen allele CA505744257.